The following is an entry in ClinVar:

NM_015102.5(NPHP4):c.1677C>A (p.Val559=)

Gene: NPHP4 (nephrocystin 4; minus strand). Cytogenetic location: 1p36.31.
Variant type: single nucleotide variant.
Coding change: c.1677C>A on transcript NM_015102.5 (MANE Select); coding-DNA position 1677, C replaced by A.
Protein change: p.Val559=; no amino-acid change (valine 559 retained).
Molecular consequence: synonymous variant. On other transcripts: non-coding transcript variant (1).
Genome position (GRCh38, 1-based): chr1:5,905,718, G>T on the plus strand (C>A on the coding strand, the complement: NPHP4 is on the minus strand). VCF-style: chr1-5905718-G-T. GRCh37 (hg19) VCF-style: chr1-5965778-G-T.
Other names: c.138C>A, p.Val46= (NM_001291593.2); c.141C>A, p.Val47= (NM_001291594.2); c.1677C>A (NM_015102.4).
Identifiers: ClinVar variation 4811845 (VCV004811845.2).

ClinVar aggregate classification (germline): Likely benign. Review status: criteria provided, multiple submitters, no conflicts (2 of 4 stars). 2 submissions from 2 submitters: Likely benign (2). Last evaluated 2026-03-26.

Conditions:
Nephronophthisis. Also called: Juvenile Nephronophthisis. Identifiers: Orphanet 655, MedGen C0687120, MONDO:0019005, HP:0000090.
NPHP4-related disorder. Also called: NPHP4-related condition; NPHP4-related disorders. Identifiers: MedGen CN239384.

gnomAD v4.1: 4 of 1,613,520 alleles (0.00025%); highest among the groups gnomAD compares: Admixed American, 0.0033%; no homozygotes.

Submissions (2):

PreventionGenetics, part of Exact Sciences
Classification: Likely benign for NPHP4-related condition. Last evaluated: 2026-03-26. Review status: criteria provided, single submitter. Criteria: ACMG Guidelines, 2015. Collection method: clinical testing. Allele origin: germline.
Comment: This variant is classified as likely benign based on ACMG/AMP sequence variant interpretation guidelines (Richards et al. 2015 PMID: 25741868, with internal and published modifications).

Labcorp Genetics (formerly Invitae), Labcorp
Classification: Likely benign for Nephronophthisis. Last evaluated: 2025-07-02. Review status: criteria provided, single submitter. Criteria: Invitae Variant Classification Sherloc (09022015). Collection method: clinical testing. Allele origin: germline.